The following is an entry in ClinVar:

ClinVar aggregate classification (germline): Uncertain significance (1 of 4 stars; one submission).

Conditions:
Genitopatellar syndrome (GTPTS). Also called: Genitopatellar syndrome (GPS); ABSENT PATELLAE, SCROTAL HYPOPLASIA, RENAL ANOMALIES, FACIAL DYSMORPHISM, AND MENTAL RETARDATION. Identifiers: Orphanet 85201, MedGen C1853566, MONDO:0011640, OMIM 606170.

Submission:

Labcorp Genetics (formerly Invitae), Labcorp
Classification: Uncertain significance for Genitopatellar syndrome. Last evaluated: 2023-03-18. Review status: criteria provided, single submitter. Criteria: Invitae Variant Classification Sherloc (09022015). Collection method: clinical testing. Allele origin: germline.
Comment: In summary, the available evidence is currently insufficient to determine the role of this variant in disease. Therefore, it has been classified as a Variant of Uncertain Significance. Advanced modeling of protein sequence and biophysical properties (such as structural, functional, and spatial information, amino acid conservation, physicochemical variation, residue mobility, and thermodynamic stability) has been performed at Invitae for this missense variant, however the output from this modeling did not meet the statistical confidence thresholds required to predict the impact of this variant on KAT6B protein function. This variant has not been reported in the literature in individuals affected with KAT6B-related conditions. This variant is not present in population databases (gnomAD no frequency). This sequence change replaces cysteine, which is neutral and slightly polar, with arginine, which is basic and polar, at codon 837 of the KAT6B protein (p.Cys837Arg).

NM_012330.4(KAT6B):c.2509T>C (p.Cys837Arg)

Gene: KAT6B (lysine acetyltransferase 6B; plus strand). Cytogenetic location: 10q22.2.
Variant type: single nucleotide variant.
Coding change: c.2509T>C on transcript NM_012330.4 (MANE Select); coding-DNA position 2509, T replaced by C.
Protein change: p.Cys837Arg; replaces cysteine 837 with arginine.
Molecular consequence: missense variant. On other transcripts: intron variant (4).
Genome position (GRCh38, 1-based): chr10:74,985,215, T>C. VCF-style: chr10-74985215-T-C. GRCh37 (hg19) VCF-style: chr10-76744973-T-C.
Other names: c.1960T>C, p.Cys654Arg (NM_001256468.2, NM_001370138.1); c.1633T>C, p.Cys545Arg (NM_001256469.2, NM_001370139.1, NM_001370140.1 and 2 more transcripts); c.2509T>C, p.Cys837Arg (NM_001370136.1, NM_001370137.1); c.1444T>C, p.Cys482Arg (NM_001370143.1, NM_001370144.1); c.847-3804T>C (NM_001370133.1); c.450+3287T>C (NM_001370134.1); c.1497+3287T>C (NM_001370132.1); c.193-3804T>C (NM_001370135.1); short protein forms C654R, C837R, C482R, C545R.
Identifiers: ClinVar variation 2847152 (VCV002847152.3), dbSNP rs2549008284, ClinGen allele CA377294063.
Genomic context (GRCh38, chr10:74,985,215, plus strand): 5'-TTGTATTATGATGTCGAGCCATTCCTTTTTTATGTCCTTACAAAAAATGATGAAAAGGGC[T>C]GTCATCTGGTTGGATACTTCTCTAAGGTAAAACAAGAGCCAGCATGACCTTCATTTTCTT-3'
Protein context (NP_036462.2, residues 827-847): YVLTKNDEKG[Cys837Arg]HLVGYFSKEK